The following is an entry in ClinVar:

ClinVar aggregate classification (germline): Uncertain significance (1 of 4 stars; one submission).

Submission:

Ambry Genetics
Classification: Uncertain significance. Last evaluated: 2023-02-23. Review status: criteria provided, single submitter. Criteria: Ambry Variant Classification Scheme 2023. Collection method: clinical testing. Allele origin: germline.
Comment: The p.Q399H variant (also known as c.1197G>T), located in coding exon 11 of the SLMAP gene, results from a G to T substitution at nucleotide position 1197. The glutamine at codon 399 is replaced by histidine, an amino acid with highly similar properties. This amino acid position is conserved. In addition, this alteration is predicted to be tolerated by in silico analysis. Since supporting evidence is limited at this time, the clinical significance of this alteration remains unclear.

NM_001377540.1(SLMAP):c.1299G>T (p.Gln433His)

Gene: SLMAP (sarcolemma associated protein; plus strand). Cytogenetic location: 3p14.3.
Variant type: single nucleotide variant.
Coding change: c.1299G>T on transcript NM_001377540.1 (MANE Select); coding-DNA position 1299, G replaced by T.
Protein change: p.Gln433His; replaces glutamine 433 with histidine.
Molecular consequence: missense variant. On other transcripts: non-coding transcript variant (1), intron variant (9).
Genome position (GRCh38, 1-based): chr3:57,871,697, G>T. VCF-style: chr3-57871697-G-T. GRCh37 (hg19) VCF-style: chr3-57857424-G-T.
Other names: c.1248G>T, p.Gln416His (NM_001304420.3, NM_001377541.1, NM_001377542.1 and 2 more transcripts); c.1299G>T, p.Gln433His (NM_001377538.1, NM_001377539.1, NM_001377555.1); c.1197G>T, p.Gln399His (NM_001377549.1, NM_001377923.1, NM_007159.5); c.1237+6405G>T (NM_001377545.1, NM_001377922.1); c.1186+6840G>T (NM_001377552.1, NM_001377551.1, NM_001377924.1); c.1135+6981G>T (NM_001377559.1, NM_001377557.1, NM_001377925.1 and 1 more transcripts); short protein forms Q399H, Q433H, Q416H.
Identifiers: ClinVar variation 2448008 (VCV002448008.2), dbSNP rs2473862575, ClinGen allele CA353410217.
Genomic context (GRCh38, chr3:57,871,697, plus strand): 5'-GCACTTGCTTTCAAAGAGTGGCGGGGACTGCACTTTTATTCATCAATTCATAGAATGCCA[G>T]AGTGAGTACAGAGTATTTTTCACATTGATTTTAATGAAGTCAGGGGCTAAAACTTAAAAG-3'
Protein context (NP_001364469.1, residues 423-443): CTFIHQFIEC[Gln433His]KKLIVEGHLT